The following is an entry in ClinVar:

ClinVar aggregate classification (germline): Conflicting classifications of pathogenicity. Review status: criteria provided, conflicting classifications (1 of 4 stars). 2 submissions from 2 submitters: Uncertain significance (1); Likely benign (1). Last evaluated 2026-03-03.

Conditions:
DST-related disorder. Also called: DST-related disorders; DST-related condition.
Epidermolysis bullosa simplex 3, localized or generalized intermediate, with BP230 deficiency (EBS3). Also called: Epidermolysis bullosa simplex, autosomal recessive 2; Epidermolysis bullosa simplex due to BP230 deficiency. Identifiers: Orphanet 412181, MedGen C3809470, MONDO:0014180, OMIM 615425.
Hereditary sensory and autonomic neuropathy type 6. Also called: HSAN VI; Neuropathy, hereditary sensory and autonomic, type VI. Identifiers: Orphanet 314381, MedGen C3539003, MONDO:0013839, OMIM 614653.

Allele frequency attached by ClinVar (database versions not stated): TOPMed 0.00003; gnomAD 0.00004; ExAC 0.00002.
gnomAD v4.1: 31 of 1,613,876 alleles (0.0019%); highest among the groups gnomAD compares: Middle Eastern, 0.016%; no homozygotes.

Submissions (2):

PreventionGenetics, part of Exact Sciences
Classification: Likely benign for DST-related condition. Last evaluated: 2026-03-03. Review status: criteria provided, single submitter. Criteria: ACMG Guidelines, 2015. Collection method: clinical testing. Allele origin: germline.
Comment: This variant is classified as likely benign based on ACMG/AMP sequence variant interpretation guidelines (Richards et al. 2015 PMID: 25741868, with internal and published modifications).

Labcorp Genetics (formerly Invitae), Labcorp
Classification: Uncertain significance for Epidermolysis bullosa simplex 3, localized or generalized intermediate, with BP230 deficiency; Hereditary sensory and autonomic neuropathy type 6. Last evaluated: 2025-01-06. Review status: criteria provided, single submitter. Criteria: Invitae Variant Classification Sherloc (09022015). Collection method: clinical testing. Allele origin: germline.
Comment: The DST gene has multiple clinically relevant transcripts. This variant occurs in alternate transcript NM_015548.4, and corresponds to NM_001723.5:c.*61995C>T in the primary transcript. This sequence change affects codon 2467 of the DST mRNA. It is a 'silent' change, meaning that it does not change the encoded amino acid sequence of the DST protein. The frequency data for this variant in the population databases is considered unreliable, as metrics indicate poor data quality at this position in the gnomAD database. This variant has not been reported in the literature in individuals affected with DST-related conditions. Experimental studies and prediction algorithms are not available or were not evaluated, and the effect of this variant on mRNA splicing is currently unknown. In summary, the available evidence is currently insufficient to determine the role of this variant in disease. Therefore, it has been classified as a Variant of Uncertain Significance.

NM_001374736.1(DST):c.15270C>T (p.Leu5090=)

Gene: DST (dystonin; minus strand). Cytogenetic location: 6p12.1.
Variant type: single nucleotide variant.
Coding change: c.15270C>T on transcript NM_001374736.1 (MANE Select); coding-DNA position 15270, C replaced by T.
Protein change: p.Leu5090=; no amino-acid change (leucine 5090 retained).
Molecular consequence: synonymous variant.
Genome position (GRCh38, 1-based): chr6:56,553,522, G>A on the plus strand (C>T on the coding strand, the complement: DST is on the minus strand). VCF-style: chr6-56553522-G-A. GRCh37 (hg19) VCF-style: chr6-56418320-G-A.
Other names: c.8913C>T (NM_001144769.2); c.8913C>T, p.Leu2971= (NM_001144769.5); c.8499C>T, p.Leu2833= (NM_001144770.2); c.15270C>T, p.Leu5090= (NM_001374722.1); c.14637C>T, p.Leu4879= (NM_001374729.1); c.8379C>T, p.Leu2793= (NM_001374730.1, NM_001386100.1, NM_183380.4); c.15297C>T, p.Leu5099= (NM_001374734.1); c.7401C>T, p.Leu2467= (NM_015548.5).
Identifiers: ClinVar variation 2151480 (VCV002151480.4), dbSNP rs759697752, ClinGen allele CA3867841.
Genomic context (GRCh38, chr6:56,553,522, plus strand): 5'-CTGAGCGGTCAAAGTTTTACTAAAGTCTTTATGATCTTTAATTAATGACTCCAAGACATC[G>A]AGTTTGGCAGATATTGGATGAGATTTGTTTTGCTCTTCTTTCTTTGTATCCAGCCAAGCC-3'
Protein context (NP_001361665.1, residues 5080-5100): QNKSHPISAK[Leu5090=]DVLESLIKDH